The following is an entry in ClinVar:

ClinVar aggregate classification (germline): Likely benign. Review status: criteria provided, multiple submitters, no conflicts (2 of 4 stars). 2 submissions from 2 submitters: Likely benign (2). Last evaluated 2024-06-01.

Conditions:
Polycystic kidney disease, adult type (PKD1). Also called: Polycystic Kidney Disease 1, Autosomal Dominant; Polycystic kidney disease 1; Polycystic kidney disease 1, severe; Polycystic Kidney, Autosomal Dominant; POLYCYSTIC KIDNEY DISEASE 1 WITH OR WITHOUT POLYCYSTIC LIVER DISEASE; POLYCYSTIC KIDNEY DISEASE, ADULT, TYPE I. Identifiers: MedGen C3149841, MONDO:0008263, OMIM 173900.

Allele frequency attached by ClinVar (database versions not stated): gnomAD 0.00001; gnomAD exomes 0.00003; ExAC 0.00008.
gnomAD v4.1: 49 of 1,610,900 alleles (0.003%); highest among the groups gnomAD compares: South Asian, 0.054%; no homozygotes.

Submissions (2):

CeGaT Center for Human Genetics Tuebingen
Classification: Likely benign. Last evaluated: 2024-06-01. Review status: criteria provided, single submitter. Criteria: CeGaT Center For Human Genetics Tuebingen Variant Classification Criteria Version 2. Collection method: clinical testing. Allele origin: germline. Affected: yes. Observed: 1 variant allele.
Comment: PKD1: BP4, BP7

Department of Pathology and Laboratory Medicine, Sinai Health System
Classification: Likely benign for Polycystic kidney disease, adult type. Last evaluated: 2021-04-29. Review status: criteria provided, single submitter. Criteria: ACMG Guidelines, 2015. Collection method: clinical testing. Allele origin: germline. Affected: yes.

NM_001009944.3(PKD1):c.10194T>C (p.Ser3398=)

Gene: PKD1 (polycystin 1, transient receptor potential channel interacting; minus strand). Cytogenetic location: 16p13.3.
Variant type: single nucleotide variant.
Coding change: c.10194T>C on transcript NM_001009944.3 (MANE Select); coding-DNA position 10194, T replaced by C.
Protein change: p.Ser3398=; no amino-acid change (serine 3398 retained).
Molecular consequence: synonymous variant.
Genome position (GRCh38, 1-based): chr16:2,097,754, A>G on the plus strand (T>C on the coding strand, the complement: PKD1 is on the minus strand). VCF-style: chr16-2097754-A-G. GRCh37 (hg19) VCF-style: chr16-2147755-A-G.
Other names: c.10191T>C, p.Ser3397= (NM_000296.4).
Identifiers: ClinVar variation 3250790 (VCV003250790.19), dbSNP rs773251931.
Genomic context (GRCh38, chr16:2,097,754, plus strand): 5'-GCACCAGGGCTCGAGGTTTCTCTAGGGAACCCACCTCTTAGAATCATCCAGAAACAAGTC[A>G]CTCTTCATCTGTCCAACAAAGGCCTGCTGAGAGGTGCACAGTGTCTTGAGTCCAAGCTGC-3'
Protein context (NP_001009944.3, residues 3388-3408): AEQAFVGQMK[Ser3398=]DLFLDDSKSL